The following is an entry in ClinVar:

NM_001457.4(FLNB):c.5362T>C (p.Tyr1788His)

Gene: FLNB (filamin B; plus strand). Cytogenetic location: 3p14.3.
Variant type: single nucleotide variant.
Coding change: c.5362T>C on transcript NM_001457.4 (MANE Select); coding-DNA position 5362, T replaced by C.
Protein change: p.Tyr1788His; replaces tyrosine 1788 with histidine.
Molecular consequence: missense variant.
Genome position (GRCh38, 1-based): chr3:58,143,550, T>C. VCF-style: chr3-58143550-T-C. GRCh37 (hg19) VCF-style: chr3-58129277-T-C.
Other names: c.5455T>C, p.Tyr1819His (NM_001164317.2); c.5329T>C, p.Tyr1777His (NM_001164318.2); c.5290T>C, p.Tyr1764His (NM_001164319.2); short protein forms Y1788H, Y1777H, Y1764H, Y1819H.
Identifiers: ClinVar variation 2803057 (VCV002803057.3), dbSNP rs1196774923, ClinGen allele CA353354030.

ClinVar aggregate classification (germline): Uncertain significance (1 of 4 stars; one submission).

Allele frequency attached by ClinVar (database versions not stated): gnomAD exomes 0.00001; TOPMed 0.00001.

Submission:

Labcorp Genetics (formerly Invitae), Labcorp
Classification: Uncertain significance. Last evaluated: 2023-08-19. Review status: criteria provided, single submitter. Criteria: Invitae Variant Classification Sherloc (09022015). Collection method: clinical testing. Allele origin: germline.
Comment: In summary, the available evidence is currently insufficient to determine the role of this variant in disease. Therefore, it has been classified as a Variant of Uncertain Significance. Advanced modeling of protein sequence and biophysical properties (such as structural, functional, and spatial information, amino acid conservation, physicochemical variation, residue mobility, and thermodynamic stability) performed at Invitae indicates that this missense variant is not expected to disrupt FLNB protein function. This variant has not been reported in the literature in individuals affected with FLNB-related conditions. This variant is present in population databases (no rsID available, gnomAD 0.0009%). This sequence change replaces tyrosine, which is neutral and polar, with histidine, which is basic and polar, at codon 1788 of the FLNB protein (p.Tyr1788His).